The following is an entry in ClinVar:

ClinVar aggregate classification (germline): Pathogenic (1 of 4 stars; one submission).

Conditions:
Lafora disease. Also called: Epilepsy progressive myoclonic 2; Progressive Myoclonus Epilepsy, Lafora Type. Identifiers: Orphanet 501, MedGen C0751783, MONDO:0009697.

Submission:

Labcorp Genetics (formerly Invitae), Labcorp
Classification: Pathogenic for Lafora disease. Last evaluated: 2025-07-31. Review status: criteria provided, single submitter. Criteria: Invitae Variant Classification Sherloc (09022015). Collection method: clinical testing. Allele origin: germline.
Comment: This sequence change creates a premature translational stop signal (p.Phe371Leufs*21) in the NHLRC1 gene. While this is not anticipated to result in nonsense mediated decay, it is expected to disrupt the last 25 amino acid(s) of the NHLRC1 protein. This variant is not present in population databases (gnomAD no frequency). This variant has not been reported in the literature in individuals affected with NHLRC1-related conditions. This variant disrupts a region of the NHLRC1 protein in which other variant(s) (p.Lys388Serfs*3) have been determined to be pathogenic (PMID: 20738377). This suggests that this is a clinically significant region of the protein, and that variants that disrupt it are likely to be disease-causing. For these reasons, this variant has been classified as Pathogenic.

Literature cited by the submitters: PubMed 20738377.

NM_198586.3(NHLRC1):c.1110dup (p.Phe371fs)

Gene: NHLRC1 (NHL repeat containing E3 ubiquitin protein ligase 1; minus strand). Cytogenetic location: 6p22.3.
Variant type: Duplication.
Coding change: c.1110dup on transcript NM_198586.3 (MANE Select); coding-DNA position 1110, one base duplicated (C; older notation c.1110dupC).
Protein change: p.Phe371fs; shifts the reading frame from phenylalanine 371.
Molecular consequence: frameshift variant.
Genome position (GRCh38, 1-based): chr6:18,121,497, G duplicated on the plus strand (C on the coding strand, the reverse complement: NHLRC1 is on the minus strand); the first of 2 consecutive G bases (chr6:18,121,497-18,121,498); duplicating either gives the same sequence. VCF-style (leftmost placement, unchanged base first): chr6-18121496-A-AG. GRCh37 (hg19) VCF-style: chr6-18121727-A-AG.
Other names: short protein forms F371fs.
Identifiers: ClinVar variation 4724562 (VCV004724562.1).
Genomic context (GRCh38, chr6:18,121,496, plus strand): 5'-TATAGACTTTTATAGAATGAGATGCTGTGTCCAGCACAAGAAGAGAATTCTCCTTGGTGA[A>AG]GGTAAGAGCCACAGGATGCGAAAGACCATGAGTGACCATGGGCTTCGGTACTGGAAACTC-3'